The following is an entry in ClinVar:

ClinVar aggregate classification (germline): Uncertain significance (1 of 4 stars; one submission).

Conditions:
Ataxia-telangiectasia-like disorder (ATLD). Identifiers: MedGen C1858391, MONDO:0011457.

gnomAD v4.1: 1 of 1,613,102 alleles (0.000062%); highest among the groups gnomAD compares: Non-Finnish European, 0.000085%; no homozygotes.

Submission:

Labcorp Genetics (formerly Invitae), Labcorp
Classification: Uncertain significance for Ataxia-telangiectasia-like disorder. Last evaluated: 2025-02-28. Review status: criteria provided, single submitter. Criteria: Invitae Variant Classification Sherloc (09022015). Collection method: clinical testing. Allele origin: germline.
Comment: This sequence change replaces threonine, which is neutral and polar, with isoleucine, which is neutral and non-polar, at codon 662 of the MRE11 protein (p.Thr662Ile). This variant is not present in population databases (gnomAD no frequency). This missense change has been observed in individual(s) with breast cancer (PMID: 36232564). An algorithm developed to predict the effect of missense changes on protein structure and function (PolyPhen-2) suggests that this variant is likely to be tolerated. In summary, the available evidence is currently insufficient to determine the role of this variant in disease. Therefore, it has been classified as a Variant of Uncertain Significance.

Literature cited by the submitters: PubMed 36232564.

NM_005591.4(MRE11):c.1985C>T (p.Thr662Ile)

Gene: MRE11 (MRE11 double strand break repair nuclease; minus strand). Cytogenetic location: 11q21.
Variant type: single nucleotide variant.
Coding change: c.1985C>T on transcript NM_005591.4 (MANE Select); coding-DNA position 1985, C replaced by T.
Protein change: p.Thr662Ile; replaces threonine 662 with isoleucine.
Molecular consequence: missense variant. On other transcripts: intron variant (1).
Genome position (GRCh38, 1-based): chr11:94,435,841, G>A on the plus strand (C>T on the coding strand, the complement: MRE11 is on the minus strand). VCF-style: chr11-94435841-G-A. GRCh37 (hg19) VCF-style: chr11-94169007-G-A.
Other names: c.1982C>T, p.Thr661Ile (NM_001440464.1, NM_001440465.1, NM_001330347.2); c.1901C>T, p.Thr634Ile (NM_001440466.1, NM_005590.4, NM_001440474.1 and 4 more transcripts); c.1922C>T, p.Thr641Ile (NM_001440467.1, NM_001440468.1, NM_001440469.1); c.1919C>T, p.Thr640Ile (NM_001440470.1); c.1910C>T, p.Thr637Ile (NM_001440471.1); c.1907C>T, p.Thr636Ile (NM_001440472.1); c.1637C>T, p.Thr546Ile (NM_001440484.1); c.1517C>T, p.Thr506Ile (NM_001440485.1, NM_001440486.1, NM_001440487.1); and 6 more; short protein forms T546I, T636I, T637I, T661I, T662I, T506I, T613I, T641I.
Identifiers: ClinVar variation 4778857 (VCV004778857.1).
Genomic context (GRCh38, chr11:94,435,841, plus strand): 5'-AATTTTTAATTTTTTTCAGATGTTTCTTTTGCAGAAAATCACTGCACCTACCTTTGATCT[G>A]TCTTTGAAGTGGTAGGAAAAATGTCTTCTTCCACATCTGATTCATCTACCTCAATCACCT-3'
Protein context (NP_005582.1, residues 652-672): EEDIFPTTSK[Thr662Ile]DQRWSSTSSS